The following is an entry in ClinVar:

ClinVar aggregate classification (germline): Conflicting classifications of pathogenicity. Review status: criteria provided, conflicting classifications (1 of 4 stars). 4 submissions from 4 submitters: Uncertain significance (3); Likely benign (1). Last evaluated 2024-04-25.

Conditions:
Ehlers-Danlos syndrome (EDS). Identifiers: Orphanet 98249, MedGen C0013720, MONDO:0020066.
Ehlers-Danlos syndrome, spondylodysplastic type, 3. Also called: Ehlers-Danlos syndrome, spondylocheirodysplastic type. Identifiers: Orphanet 157965, MedGen C2676510, MONDO:0012873, OMIM 612350.

Allele frequency attached by ClinVar (database versions not stated): gnomAD 0.00001; gnomAD exomes 0.00002 and 0.00003; ExAC 0.00004.
gnomAD v4.1: 31 of 1,614,028 alleles (0.0019%); highest among the groups gnomAD compares: South Asian, 0.016%; no homozygotes.

Submissions (4):

Labcorp Genetics (formerly Invitae), Labcorp
Classification: Uncertain significance for Ehlers-Danlos syndrome, spondylodysplastic type, 3. Last evaluated: 2024-04-25. Review status: criteria provided, single submitter. Criteria: Invitae Variant Classification Sherloc (09022015). Collection method: clinical testing. Allele origin: germline.
Comment: This sequence change replaces alanine, which is neutral and non-polar, with valine, which is neutral and non-polar, at codon 191 of the SLC39A13 protein (p.Ala191Val). This variant is present in population databases (rs200688736, gnomAD 0.02%). This variant has not been reported in the literature in individuals affected with SLC39A13-related conditions. ClinVar contains an entry for this variant (Variation ID: 806676). Advanced modeling of protein sequence and biophysical properties (such as structural, functional, and spatial information, amino acid conservation, physicochemical variation, residue mobility, and thermodynamic stability) performed at Invitae indicates that this missense variant is not expected to disrupt SLC39A13 protein function with a negative predictive value of 80%. In summary, the available evidence is currently insufficient to determine the role of this variant in disease. Therefore, it has been classified as a Variant of Uncertain Significance.

Blueprint Genetics
Classification: Likely benign. Last evaluated: 2023-04-27. Review status: criteria provided, single submitter. Criteria: ACMG Guidelines, 2015. Collection method: clinical testing. Allele origin: germline.

CeGaT Center for Human Genetics Tuebingen
Classification: Uncertain significance. Last evaluated: 2019-02-01. Review status: criteria provided, single submitter. Criteria: CeGaT Center For Human Genetics Tuebingen Variant Classification Criteria Version 2. Collection method: clinical testing. Allele origin: germline. Affected: yes. Observed: 1 variant allele.

Genome Diagnostics Laboratory, The Hospital for Sick Children
Classification: Uncertain significance for Ehlers-Danlos syndrome. Last evaluated: 2019-02-01. Review status: criteria provided, single submitter. Criteria: ACMG Guidelines, 2015. Collection method: clinical testing. Allele origin: germline.

NM_001128225.3(SLC39A13):c.572C>T (p.Ala191Val)

Gene: SLC39A13 (solute carrier family 39 member 13; plus strand). Cytogenetic location: 11p11.2.
Variant type: single nucleotide variant.
Coding change: c.572C>T on transcript NM_001128225.3 (MANE Select); coding-DNA position 572, C replaced by T.
Protein change: p.Ala191Val; replaces alanine 191 with valine.
Molecular consequence: missense variant. On other transcripts: non-coding transcript variant (1).
Genome position (GRCh38, 1-based): chr11:47,413,434, C>T. VCF-style: chr11-47413434-C-T. GRCh37 (hg19) VCF-style: chr11-47434985-C-T.
Other names: c.572C>T, p.Ala191Val (NM_001330245.2, NM_152264.5); short protein forms A191V.
Identifiers: ClinVar variation 806676 (VCV000806676.51), dbSNP rs200688736, ClinGen allele CA5975827.
Genomic context (GRCh38, chr11:47,413,434, plus strand): 5'-CCTCTCCCTCCTTCTCCTGGCCCTAGGCCCCCAACAAAGACCCCACTGCTGCTGCCGCCG[C>T]GCTCAATGGAGGCCACTGTCTGGCCCAGCCGGCTGCAGAGCCCGGCCTCGGTGCCGTGGT-3'
Protein context (NP_001121697.2, residues 181-201): PNKDPTAAAA[Ala191Val]LNGGHCLAQP